The following is an entry in ClinVar:

NM_177924.5(ASAH1):c.*738C>G

Gene: ASAH1 (N-acylsphingosine amidohydrolase 1; minus strand). Cytogenetic location: 8p22.
Variant type: single nucleotide variant.
Coding change: c.*738C>G on transcript NM_177924.5 (MANE Select); 738 bases downstream of the stop codon, C replaced by G.
Molecular consequence: 3 prime UTR variant.
Genome position (GRCh38, 1-based): chr8:18,056,796, G>C on the plus strand (C>G on the coding strand, the complement: ASAH1 is on the minus strand). VCF-style: chr8-18056796-G-C. GRCh37 (hg19) VCF-style: chr8-17914305-G-C.
Other names: c.*738C>G (NM_001127505.3, NM_001363743.2, NM_004315.6).
Identifiers: ClinVar variation 362355 (VCV000362355.6), dbSNP rs6769, ClinGen allele CA10630576.

ClinVar aggregate classification (germline): Benign. Review status: criteria provided, multiple submitters, no conflicts (2 of 4 stars). 2 submissions from 2 submitters: Benign (2). Last evaluated 2018-01-13.

Conditions:
Farber lipogranulomatosis (FRBRL). Also called: Farber's lipogranulomatosis; Farber's disease; Farber disease; AC DEFICIENCY; ACID CERAMIDASE DEFICIENCY; CERAMIDASE DEFICIENCY. Identifiers: Orphanet 333, MedGen C0268255, MONDO:0009218, OMIM 228000.

Allele frequency attached by ClinVar (database versions not stated): gnomAD 0.15644; TOPMed 0.18566; 1000 Genomes Project 0.27556; 1000 Genomes Project 30x 0.27748.

Submissions (2):

Illumina Laboratory Services, Illumina
Classification: Benign for Farber lipogranulomatosis. Last evaluated: 2018-01-13. Review status: criteria provided, single submitter. Criteria: ICSL Variant Classification Criteria 13 December 2019. Collection method: clinical testing. Allele origin: germline.
Comment: This variant was observed in the ICSL laboratory as part of a predisposition screen in an ostensibly healthy population. It had not been previously curated by ICSL or reported in the Human Gene Mutation Database (HGMD: prior to June 1st, 2018), and was therefore a candidate for classification through an automated scoring system. Utilizing variant allele frequency, disease prevalence and penetrance estimates, and inheritance mode, an automated score was calculated to assess if this variant is too frequent to cause the disease. Based on the score and internal cut-off values, a variant classified as benign is not then subjected to further curation. The score for this variant resulted in a classification of benign for this disease.

Breakthrough Genomics
Classification: Benign. Review status: criteria provided, single submitter. Criteria: ACMG Guidelines, 2015. Collection method: not provided. Allele origin: germline. Inheritance: Autosomal recessive inheritance. Affected: yes.